The following is an entry in ClinVar:

NM_032271.3(TRAF7):c.244A>G (p.Thr82Ala)

Gene: TRAF7 (TNF receptor associated factor 7; plus strand). Cytogenetic location: 16p13.3.
Variant type: single nucleotide variant.
Coding change: c.244A>G on transcript NM_032271.3 (MANE Select); coding-DNA position 244, A replaced by G.
Protein change: p.Thr82Ala; replaces threonine 82 with alanine.
Molecular consequence: missense variant.
Genome position (GRCh38, 1-based): chr16:2,170,626, A>G. VCF-style: chr16-2170626-A-G. GRCh37 (hg19) VCF-style: chr16-2220627-A-G.
Other names: short protein forms T82A.
Identifiers: ClinVar variation 3068783 (VCV003068783.2), dbSNP rs759262381, ClinGen allele CA394315952.
Genomic context (GRCh38, chr16:2,170,626, plus strand): 5'-TCTGACCCCGTGCGGAGCCCCCCGACAGGCGCCTCTCCCTCCACACAGCCCCCCATCAGC[A>G]CTCCCCGCCGCTCCGACTCCGCCATCTCTGTCCGCTCCCTGCACTCAGAGTCCAGCATGT-3'
Protein context (NP_115647.2, residues 72-92): DEEDSMPPIS[Thr82Ala]PRRSDSAISV

ClinVar aggregate classification (germline): Uncertain significance (1 of 4 stars; one submission).

Allele frequency attached by ClinVar (database versions not stated): gnomAD exomes below 0.00001.
gnomAD v4.1: 6 of 1,596,784 alleles (0.00038%); highest among the groups gnomAD compares: East Asian, 0.0093%; no homozygotes.

Submission:

Women's Health and Genetics/Laboratory Corporation of America, LabCorp
Classification: Uncertain significance. Last evaluated: 2024-02-27. Review status: criteria provided, single submitter. Criteria: LabCorp Variant Classification Summary - May 2015. Collection method: clinical testing. Allele origin: germline.
Comment: Variant summary: TRAF7 c.244A>G (p.Thr82Ala) results in a non-conservative amino acid change in the encoded protein sequence. Three of five in-silico tools predict a benign effect of the variant on protein function. The variant was absent in 233014 control chromosomes (gnomAD). The available data on variant occurrences in the general population are insufficient to allow any conclusion about variant significance. To our knowledge, no occurrence of c.244A>G in individuals affected with Cardiac, Facial, And Digital Anomalies With Developmental Delay and no experimental evidence demonstrating its impact on protein function have been reported. No submitters have cited clinical-significance assessments for this variant to ClinVar. Based on the evidence outlined above, the variant was classified as uncertain significance.